The following is an entry in ClinVar:

ClinVar aggregate classification (germline): Uncertain significance (1 of 4 stars; one submission).

Allele frequency attached by ClinVar (database versions not stated): gnomAD exomes 0.00001 and below 0.00001; TOPMed below 0.00001; ExAC 0.00001; gnomAD 0.00001; ESP Exome Variant Server 0.00008.
gnomAD v4.1: 10 of 1,613,950 alleles (0.00062%); highest among the groups gnomAD compares: Admixed American, 0.0017%; no homozygotes.

Submission:

Labcorp Genetics (formerly Invitae), Labcorp
Classification: Uncertain significance. Last evaluated: 2025-09-10. Review status: criteria provided, single submitter. Criteria: Invitae Variant Classification Sherloc (09022015). Collection method: clinical testing. Allele origin: germline.
Comment: This sequence change replaces isoleucine, which is neutral and non-polar, with threonine, which is neutral and polar, at codon 872 of the DSG1 protein (p.Ile872Thr). This variant is present in population databases (rs373882874, gnomAD 0.0009%). This variant has not been reported in the literature in individuals affected with DSG1-related conditions. ClinVar contains an entry for this variant (Variation ID: 1370129). An algorithm developed to predict the effect of missense changes on protein structure and function (PolyPhen-2) suggests that this variant is likely to be disruptive. In summary, the available evidence is currently insufficient to determine the role of this variant in disease. Therefore, it has been classified as a Variant of Uncertain Significance.

NM_001942.4(DSG1):c.2615T>C (p.Ile872Thr)

Genes: DSG1 (desmoglein 1; plus strand), DSG1-AS1 (DSG1 antisense RNA 1; minus strand), LOC126862720 (MED14-independent group 3 enhancer GRCh37_chr18:28933613-28934812; plus strand). Cytogenetic location: 18q12.1.
Variant type: single nucleotide variant.
Coding change: c.2615T>C on transcript NM_001942.4 (MANE Select); coding-DNA position 2615, T replaced by C.
Protein change: p.Ile872Thr; replaces isoleucine 872 with threonine.
Molecular consequence: missense variant.
Genome position (GRCh38, 1-based): chr18:31,354,811, T>C. VCF-style: chr18-31354811-T-C. GRCh37 (hg19) VCF-style: chr18-28934774-T-C.
Other names: short protein forms I872T.
Identifiers: ClinVar variation 1370129 (VCV001370129.6), dbSNP rs373882874, ClinGen allele CA8926411.